The following is an entry in ClinVar:

ClinVar aggregate classification (germline): Uncertain significance (1 of 4 stars; one submission).

gnomAD v4.1: 1 of 1,613,436 alleles (0.000062%); highest among the groups gnomAD compares: Non-Finnish European, 0.000085%; no homozygotes.

Submission:

Labcorp Genetics (formerly Invitae), Labcorp
Classification: Uncertain significance. Last evaluated: 2024-06-10. Review status: criteria provided, single submitter. Criteria: Invitae Variant Classification Sherloc (09022015). Collection method: clinical testing. Allele origin: germline.
Comment: This sequence change replaces glycine, which is neutral and non-polar, with aspartic acid, which is acidic and polar, at codon 1108 of the RTTN protein (p.Gly1108Asp). This variant is not present in population databases (gnomAD no frequency). This variant has not been reported in the literature in individuals affected with RTTN-related conditions. Advanced modeling of protein sequence and biophysical properties (such as structural, functional, and spatial information, amino acid conservation, physicochemical variation, residue mobility, and thermodynamic stability) performed at Invitae indicates that this missense variant is not expected to disrupt RTTN protein function with a negative predictive value of 80%. In summary, the available evidence is currently insufficient to determine the role of this variant in disease. Therefore, it has been classified as a Variant of Uncertain Significance.

NM_173630.4(RTTN):c.3323G>A (p.Gly1108Asp)

Gene: RTTN (rotatin; minus strand). Cytogenetic location: 18q22.2.
Variant type: single nucleotide variant.
Coding change: c.3323G>A on transcript NM_173630.4 (MANE Select); coding-DNA position 3323, G replaced by A.
Protein change: p.Gly1108Asp; replaces glycine 1108 with aspartic acid.
Molecular consequence: missense variant.
Genome position (GRCh38, 1-based): chr18:70,127,562, C>T on the plus strand (G>A on the coding strand, the complement: RTTN is on the minus strand). VCF-style: chr18-70127562-C-T. GRCh37 (hg19) VCF-style: chr18-67794798-C-T.
Other names: c.587G>A, p.Gly196Asp (NM_001318520.2); short protein forms G1108D, G196D.
Identifiers: ClinVar variation 3673031 (VCV003673031.2).